The following is an entry in ClinVar:

ClinVar aggregate classification (germline): Uncertain significance (1 of 4 stars; one submission).

Submission:

Labcorp Genetics (formerly Invitae), Labcorp
Classification: Uncertain significance. Last evaluated: 2020-02-24. Review status: criteria provided, single submitter. Criteria: Invitae Variant Classification Sherloc (09022015). Collection method: clinical testing. Allele origin: germline.
Comment: Experimental studies and prediction algorithms are not available or were not evaluated, and the functional significance of this variant is currently unknown. In summary, the available evidence is currently insufficient to determine the role of this variant in disease. Therefore, it has been classified as a Variant of Uncertain Significance. This variant has not been reported in the literature in individuals with COL2A1-related conditions. This variant is a complex rearrangement of the COL2A1 gene that minimally results in the deletion of exons 5-8. Although the exact nature and extent of this event is unknown, it is expected to result in an absent or disrupted protein product.

NC_000012.11:g.(?_48390321)_(48391857_?)del

Gene: COL2A1 (collagen type II alpha 1 chain; minus strand). Cytogenetic location: 12q13.11.
Variant type: Deletion.
Identifiers: ClinVar variation 1010760 (VCV001010760.8).